The following is an entry in ClinVar:

ClinVar aggregate classification (germline): Likely benign. Review status: criteria provided, multiple submitters, no conflicts (2 of 4 stars). 2 submissions from 2 submitters: Likely benign (2). Last evaluated 2026-06-30.

Conditions:
Beckwith-Wiedemann syndrome (BWS). Also called: EMG SYNDROME; Exomphalos macroglossia gigantism syndrome. Identifiers: Orphanet 116, MedGen C0004903, MONDO:0007534, OMIM 130650.
CDKN1C-related disorder. Also called: CDKN1C-related condition.

Allele frequency attached by ClinVar (database versions not stated): gnomAD 0.00001.

Submissions (2):

PreventionGenetics, part of Exact Sciences
Classification: Likely benign for CDKN1C-related condition. Last evaluated: 2026-06-30. Review status: criteria provided, single submitter. Criteria: ACMG Guidelines, 2015. Collection method: clinical testing. Allele origin: germline.
Comment: This variant is classified as likely benign based on ACMG/AMP sequence variant interpretation guidelines (Richards et al. 2015 PMID: 25741868, with internal and published modifications).

Labcorp Genetics (formerly Invitae), Labcorp
Classification: Likely benign for Beckwith-Wiedemann syndrome. Last evaluated: 2025-08-24. Review status: criteria provided, single submitter. Criteria: Invitae Variant Classification Sherloc (09022015). Collection method: clinical testing. Allele origin: germline.

NM_001122630.2(CDKN1C):c.582C>T (p.Ala194=)

Gene: CDKN1C (cyclin dependent kinase inhibitor 1C; minus strand). Cytogenetic location: 11p15.4.
Variant type: single nucleotide variant.
Coding change: c.582C>T on transcript NM_001122630.2 (MANE Select); coding-DNA position 582, C replaced by T.
Protein change: p.Ala194=; no amino-acid change (alanine 194 retained).
Molecular consequence: synonymous variant. On other transcripts: intron variant (1).
Genome position (GRCh38, 1-based): chr11:2,884,875, G>A on the plus strand (C>T on the coding strand, the complement: CDKN1C is on the minus strand). VCF-style: chr11-2884875-G-A. GRCh37 (hg19) VCF-style: chr11-2906105-G-A.
Other names: c.615C>T, p.Ala205= (NM_000076.2, NM_001362474.2); c.582C>T, p.Ala194= (NM_001122631.2); c.255+327C>T (NM_001362475.2).
Identifiers: ClinVar variation 697874 (VCV000697874.11), dbSNP rs1368082798, ClinGen allele CA472832326.